The following is an entry in ClinVar:

NM_000551.4(VHL):c.340+748G>A

Genes: VHL (von Hippel-Lindau tumor suppressor; plus strand), LOC107303340 (3p25 von Hippel-Lindau tumor suppressor, E3 ubiquitin protein ligase Alu-mediated recombination region; plus strand). Cytogenetic location: 3p25.3.
Variant type: single nucleotide variant.
Coding change: c.340+748G>A on transcript NM_000551.4 (MANE Select); 748 bases into the intron after coding-DNA position 340, G replaced by A.
Molecular consequence: intron variant. On other transcripts: nonsense (1).
Genome position (GRCh38, 1-based): chr3:10,142,935, G>A. VCF-style: chr3-10142935-G-A. GRCh37 (hg19) VCF-style: chr3-10184619-G-A.
Other names: c.513G>A, p.Trp171Ter (NM_001354723.2); c.340+748G>A (NM_198156.3); short protein forms W171*.
Identifiers: ClinVar variation 1365763 (VCV001365763.8), dbSNP rs2125126056, ClinGen allele CA2573136132.

ClinVar aggregate classification (germline): Uncertain significance (1 of 4 stars; one submission).

Conditions:
Chuvash polycythemia. Also called: POLYCYTHEMIA, VHL-DEPENDENT. Identifiers: Orphanet 238557, MedGen C1837915, MONDO:0009892, OMIM 263400.
Von Hippel-Lindau syndrome (VHLS). Also called: Von Hippel-Lindau; von Hippel–Lindau syndrome; VHL syndrome. Identifiers: Orphanet 892, MedGen C0019562, MONDO:0008667, OMIM 193300. Disease mechanism: loss of function.

Submission:

Labcorp Genetics (formerly Invitae), Labcorp
Classification: Uncertain significance for Von Hippel-Lindau syndrome; Chuvash polycythemia. Last evaluated: 2021-07-04. Review status: criteria provided, single submitter. Criteria: Invitae Variant Classification Sherloc (09022015). Collection method: clinical testing. Allele origin: germline.
Comment: In summary, the available evidence is currently insufficient to determine the role of this variant in disease. Therefore, it has been classified as a Variant of Uncertain Significance. Experimental studies and prediction algorithms are not available or were not evaluated, and the functional significance of this variant is currently unknown. This variant has not been reported in the literature in individuals affected with VHL-related conditions. The frequency data for this variant in the population databases is considered unreliable, as metrics indicate insufficient coverage at this position in the ExAC database. This sequence change falls in intron 1 of the VHL gene. It is not expected to change the encoded amino acid sequence of the VHL protein. However, this sequence change falls within a cryptic exon in the VHL gene, known as exon E1’, which is naturally expressed at low levels in several human tissues (PMID: 29891534).

Literature cited by the submitters: PubMed 29891534.